The following is an entry in ClinVar:

ClinVar aggregate classification (germline): Uncertain significance. Review status: criteria provided, multiple submitters, no conflicts (2 of 4 stars). 2 submissions from 2 submitters: Uncertain significance (2). Last evaluated 2024-09-26.

Conditions:
X-linked Alport syndrome (ATS1). Also called: NEPHROPATHY AND DEAFNESS, X-LINKED; COL4A5-Related Nephropathy. Identifiers: Orphanet 63, Orphanet 88917, MedGen C4746986, MONDO:0010520, OMIM 301050.

Submissions (2):

Women's Health and Genetics/Laboratory Corporation of America, LabCorp
Classification: Uncertain significance. Last evaluated: 2024-09-26. Review status: criteria provided, single submitter. Criteria: LabCorp Variant Classification Summary - May 2015. Collection method: clinical testing. Allele origin: germline.
Comment: Variant summary: COL4A5 c.1095_1103dupGTTGCCTGG (p.Leu366_Gly368dup) results in an in-frame duplication that is predicted to duplicate 3 amino acids into the triple-helical region (UniProt) of the encoded protein sequence. The variant allele was found at a frequency of 5.5e-06 in 183349 control chromosomes with 1 hemizygote in gnomAD v2, and a total of 11 hemizygotes in 1205470 control chromosomes was reported in gnomAD v4. The available data on variant occurrences in the general population are insufficient to allow any conclusion about variant significance. These report(s) do not provide unequivocal conclusions about association of the variant with Alport Syndrome 1, X-Linked Recessive. To our knowledge, no experimental evidence demonstrating an impact on protein function has been reported. The following publication has been ascertained in the context of this evaluation (PMID: 33048202). No submitters have cited clinical-significance assessments for this variant to ClinVar. Based on the evidence outlined above, the variant was classified as uncertain significance.

Fulgent Genetics
Classification: Uncertain significance for X-linked Alport syndrome. Last evaluated: 2024-02-20. Review status: criteria provided, single submitter. Criteria: ACMG Guidelines, 2015. Collection method: clinical testing. Allele origin: germline.

Literature cited by the submitters: PubMed 33048202 (cited by Women's Health and Genetics/Laboratory Corporation of America, LabCorp).

NM_033380.3(COL4A5):c.1086GTTGCCTGG[3] (p.Gly368_Glu369insLeuProGly)

Gene: COL4A5 (collagen type IV alpha 5 chain; plus strand). Cytogenetic location: Xq22.3.
Variant type: Microsatellite.
Coding change: c.1086GTTGCCTGG[3] on transcript NM_033380.3 (MANE Select); three copies in a row of the 9-base unit GTTGCCTGG starting at c.1086; the reference has two copies in a row; one copy, 9 bases duplicated.
Protein change: p.Gly368_Glu369insLeuProGly.
Genome position (GRCh38, 1-based): chrX:108,586,677-108,586,685, GTTGCCTGG duplicated; duplicating any 9 consecutive bases within chrX:108,586,665-108,586,685 gives the same sequence; the position shown is the placement nearest the transcript's 3' end. VCF-style (leftmost placement, unchanged base first): chrX-108586664-T-TTGGGTTGCC. GRCh37 (hg19) VCF-style: chrX-107829894-T-TTGGGTTGCC.
Other names: c.1086GTTGCCTGG[3], p.Gly368_Glu369insLeuProGly (NM_000495.5); c.1095_1103dupGTTGCCTGG (NM_000495.5); c.1095_1103dup (NM_000495.5).
Identifiers: ClinVar variation 3375182 (VCV003375182.2).